The following is an entry in ClinVar:

NM_007294.4(BRCA1):c.2012_2013dup (p.Lys672fs)

Gene: BRCA1 (BRCA1 DNA repair associated; minus strand). Cytogenetic location: 17q21.31.
Variant type: Duplication.
Coding change: c.2012_2013dup on transcript NM_007294.4 (MANE Select); coding-DNA positions 2012 to 2013, 2 bases duplicated (GT; older notation c.2012_2013dupGT).
Protein change: p.Lys672fs; shifts the reading frame from lysine 672.
Molecular consequence: frameshift variant. On other transcripts: intron variant (137).
Genome position (GRCh38, 1-based): chr17:43,093,518-43,093,519, AC duplicated on the plus strand (GT on the coding strand, the reverse complement: BRCA1 is on the minus strand). VCF-style (leftmost placement, unchanged base first): chr17-43093517-T-TAC. GRCh37 (hg19) VCF-style: chr17-41245534-T-TAC.
Other names: c.2012_2013dupGT (NM_007294.3); c.1886_1887dup, p.Lys630fs (NM_001407686.1, NM_001407687.1, NM_001407688.1 and 11 more transcripts); c.1871_1872dup, p.Lys625fs (NM_001407692.1, NM_001407694.1, NM_001407695.1 and 29 more transcripts); c.1868_1869dup, p.Lys624fs (NM_001407740.1, NM_001407741.1, NM_001407742.1 and 20 more transcripts); c.1799_1800dup, p.Lys601fs (NM_001407853.1, NM_001407894.1, NM_001407895.1 and 9 more transcripts); c.2012_2013dup, p.Lys672fs (NM_001407854.1, NM_001407858.1, NM_001407859.1 and 30 more transcripts); c.2009_2010dup, p.Lys671fs (NM_001407860.1, NM_001407861.1, NM_001407587.1 and 22 more transcripts); c.1811_1812dup, p.Lys605fs (NM_001407862.1); and 41 more; short protein forms K625fs, K672fs, K545fs, K646fs, K376fs, K504fs, K584fs, K669fs.
Identifiers: ClinVar variation 54434 (VCV000054434.3), dbSNP rs397508928, ClinGen allele CA026479.

ClinVar aggregate classification (germline): Pathogenic. Review status: reviewed by expert panel (3 of 4 stars). 2 submissions from 2 submitters: Pathogenic (1). 1 of the submissions does not count toward it. Last evaluated 2017-12-15.

Conditions:
Breast-ovarian cancer, familial, susceptibility to, 1 (BROVCA1). Also called: OVARIAN CANCER, SUSCEPTIBILITY TO; BRCA1 Hereditary Breast and Ovarian Cancer. Identifiers: Orphanet 145, MedGen C2676676, MONDO:0011450, OMIM 604370. Disease mechanism: loss of function.
Familial cancer of breast. Also called: Hereditary breast cancer; hereditary breast carcinoma; BREAST CANCER, FAMILIAL. Identifiers: Orphanet 227535, MedGen C0346153, MONDO:0016419, OMIM 114480. Disease mechanism: loss of function.

Submissions (2):

Evidence-based Network for the Interpretation of Germline Mutant Alleles (ENIGMA)
Classification: Pathogenic for Breast-ovarian cancer, familial, susceptibility to, 1. Last evaluated: 2017-12-15. Review status: reviewed by expert panel. Criteria: ENIGMA BRCA1/2 Classification Criteria (2017-06-29). Collection method: curation. Allele origin: germline. Study: ENIGMA.
Comment: Variant allele predicted to encode a truncated non-functional protein.

ClinVar Staff, National Center for Biotechnology Information (NCBI)
No classification provided. Condition: Familial cancer of breast. Review status: no classification provided. Collection method: literature only. Allele origin: germline. Affected: yes. Not counted in ClinVar's aggregate classification.

Literature cited by the submitters: PubMed 18512148 (cited by ClinVar Staff, National Center for Biotechnology Information (NCBI)).